The following is an entry in ClinVar:

NM_001351132.2(PEX5):c.416_419del (p.Asp139fs)

Gene: PEX5 (peroxisomal biogenesis factor 5; plus strand). Cytogenetic location: 12p13.31.
Variant type: Microsatellite.
Coding change: c.416_419del on transcript NM_001351132.2 (MANE Select); coding-DNA positions 416 to 419, 4 bases deleted (ACTG; older notation c.416_419delACTG).
Protein change: p.Asp139fs; shifts the reading frame from aspartic acid 139.
Molecular consequence: frameshift variant.
Genome position (GRCh38, 1-based): chr12:7,191,668-7,191,671, ACTG deleted; deleting any 4 consecutive bases within chr12:7,191,663-7,191,671 gives the same sequence; the c. name uses the placement nearest the transcript's 3' end. VCF-style (leftmost placement, unchanged base first): chr12-7191662-AGACT-A. GRCh37 (hg19) VCF-style: chr12-7344258-AGACT-A.
Other names: c.416_419del, p.Asp139fs (NM_000319.5, NM_001131024.2, NM_001131025.2 and 19 more transcripts); c.461_464del, p.Asp154fs (NM_001131023.2, NM_001351135.3, NM_001351138.2); short protein forms D139fs, D154fs.
Identifiers: ClinVar variation 1999550 (VCV001999550.4), dbSNP rs1941153600, ClinGen allele CA2014438088.

ClinVar aggregate classification (germline): Pathogenic (1 of 4 stars; one submission).

Conditions:
Peroxisome biogenesis disorder 2B (PBD2B). Identifiers: Orphanet 44, MedGen C3550234, MONDO:0008736, OMIM 202370.

Submission:

Labcorp Genetics (formerly Invitae), Labcorp
Classification: Pathogenic for Peroxisome biogenesis disorder 2B. Last evaluated: 2022-05-27. Review status: criteria provided, single submitter. Criteria: Invitae Variant Classification Sherloc (09022015). Collection method: clinical testing. Allele origin: germline.
Comment: This sequence change creates a premature translational stop signal (p.Asp139Glyfs*77) in the PEX5 gene. It is expected to result in an absent or disrupted protein product. Loss-of-function variants in PEX5 are known to be pathogenic (PMID: 18712838, 21031596). This variant is not present in population databases (gnomAD no frequency). This variant has not been reported in the literature in individuals affected with PEX5-related conditions. For these reasons, this variant has been classified as Pathogenic.

Literature cited by the submitters: PubMed 18712838; PubMed 21031596.